The following is an entry in ClinVar:

ClinVar aggregate classification (germline): Uncertain significance (1 of 4 stars; one submission).

Submission:

Dasa
Classification: Uncertain significance. Last evaluated: 2025-04-22. Review status: criteria provided, single submitter. Criteria: DASA Assertion Criteria. Collection method: clinical testing. Allele origin: germline.
Comment: NM_001008537.3(NEXMIF):c.1210G>A (p.Gly404Arg) is a missense variant that results in the substitution of glycine with arginine. This variant is absent from population databases. Computational prediction algorithms are consistent with a benign effect. The currently available literature and clinical evidence are not sufficient to establish a definitive association between this variant and the reported condition. Therefore, this variant is classified as a variant of uncertain significance.

NM_001008537.3(NEXMIF):c.1210G>A (p.Gly404Arg)

Gene: NEXMIF (neurite extension and migration factor; minus strand). Cytogenetic location: Xq13.3.
Variant type: single nucleotide variant.
Coding change: c.1210G>A on transcript NM_001008537.3 (MANE Select); coding-DNA position 1210, G replaced by A.
Protein change: p.Gly404Arg; replaces glycine 404 with arginine.
Molecular consequence: missense variant.
Genome position (GRCh38, 1-based): chrX:74,743,347, C>T on the plus strand (G>A on the coding strand, the complement: NEXMIF is on the minus strand). VCF-style: chrX-74743347-C-T. GRCh37 (hg19) VCF-style: chrX-73963182-C-T.
Other names: short protein forms G404R.
Identifiers: ClinVar variation 4882325 (VCV004882325.2).
Genomic context (GRCh38, chrX:74,743,347, plus strand): 5'-GATTCTTAAGTTGCTCTACTTCAGTCCCACTGCATGGTTTATTTAAGGCAGGCTTTTCTC[C>T]ATTATCCTTTCCATCTTTCTTCTCTACACCTTTGTCTTCCTGTCCTTCCTCTTTGCCTTT-3'
Protein context (NP_001008537.1, residues 394-414): GVEKKDGKDN[Gly404Arg]EKPALNKPCS